The following is an entry in ClinVar:

NM_173630.4(RTTN):c.1536G>A (p.Met512Ile)

Gene: RTTN (rotatin; minus strand). Cytogenetic location: 18q22.2.
Variant type: single nucleotide variant.
Coding change: c.1536G>A on transcript NM_173630.4 (MANE Select); coding-DNA position 1536, G replaced by A.
Protein change: p.Met512Ile; replaces methionine 512 with isoleucine.
Molecular consequence: missense variant. On other transcripts: intron variant (1).
Genome position (GRCh38, 1-based): chr18:70,169,008, C>T on the plus strand (G>A on the coding strand, the complement: RTTN is on the minus strand). VCF-style: chr18-70169008-C-T. GRCh37 (hg19) VCF-style: chr18-67836244-C-T.
Other names: c.-1077-35G>A (NM_001318520.2); short protein forms M512I.
Identifiers: ClinVar variation 1424617 (VCV001424617.6), dbSNP rs2061065223, ClinGen allele CA402698165.

ClinVar aggregate classification (germline): Uncertain significance (1 of 4 stars; one submission).

Allele frequency attached by ClinVar (database versions not stated): gnomAD 0.00001.
gnomAD v4.1: 1 of 1,612,700 alleles (0.000062%); highest among the groups gnomAD compares: Admixed American, 0.0017%; no homozygotes.

Submission:

Labcorp Genetics (formerly Invitae), Labcorp
Classification: Uncertain significance. Last evaluated: 2023-02-27. Review status: criteria provided, single submitter. Criteria: Invitae Variant Classification Sherloc (09022015). Collection method: clinical testing. Allele origin: germline.
Comment: In summary, the available evidence is currently insufficient to determine the role of this variant in disease. Therefore, it has been classified as a Variant of Uncertain Significance. Advanced modeling of protein sequence and biophysical properties (such as structural, functional, and spatial information, amino acid conservation, physicochemical variation, residue mobility, and thermodynamic stability) performed at Invitae indicates that this missense variant is not expected to disrupt RTTN protein function. ClinVar contains an entry for this variant (Variation ID: 1424617). This variant has not been reported in the literature in individuals affected with RTTN-related conditions. This variant is not present in population databases (gnomAD no frequency). This sequence change replaces methionine, which is neutral and non-polar, with isoleucine, which is neutral and non-polar, at codon 512 of the RTTN protein (p.Met512Ile).